The following is an entry in ClinVar:

NM_001111125.3(IQSEC2):c.3064C>T (p.Arg1022Cys)

Gene: IQSEC2 (IQ motif and Sec7 domain ArfGEF 2; minus strand). Cytogenetic location: Xp11.22.
Variant type: single nucleotide variant.
Coding change: c.3064C>T on transcript NM_001111125.3 (MANE Select); coding-DNA position 3064, C replaced by T.
Protein change: p.Arg1022Cys; replaces arginine 1022 with cysteine.
Molecular consequence: missense variant.
Genome position (GRCh38, 1-based): chrX:53,239,246, G>A on the plus strand (C>T on the coding strand, the complement: IQSEC2 is on the minus strand). VCF-style: chrX-53239246-G-A. GRCh37 (hg19) VCF-style: chrX-53268428-G-A.
Other names: c.3064C>T, p.Arg1022Cys (NM_001410736.1); c.2449C>T, p.Arg817Cys (NM_015075.2); short protein forms R1022C, R817C.
Identifiers: ClinVar variation 3777350 (VCV003777350.1).

ClinVar aggregate classification (germline): Uncertain significance (1 of 4 stars; one submission).

Submission:

GeneDx
Classification: Uncertain significance. Last evaluated: 2024-10-14. Review status: criteria provided, single submitter. Criteria: GeneDx Variant Classification Process June 2021. Collection method: clinical testing. Allele origin: germline. Affected: yes.
Comment: Not observed at significant frequency in large population cohorts (gnomAD); In silico analysis indicates that this missense variant does not alter protein structure/function; Has not been previously published as pathogenic or benign to our knowledge; This variant is associated with the following publications: (PMID: 20473311)